The following is an entry in ClinVar:

NM_001481.3(DRC4):c.1051G>A (p.Ala351Thr)

Gene: DRC4 (dynein regulatory complex subunit 4; plus strand). Cytogenetic location: 16q24.3.
Variant type: single nucleotide variant.
Coding change: c.1051G>A on transcript NM_001481.3 (MANE Select); coding-DNA position 1051, G replaced by A.
Protein change: p.Ala351Thr; replaces alanine 351 with threonine.
Molecular consequence: missense variant. On other transcripts: non-coding transcript variant (1).
Genome position (GRCh38, 1-based): chr16:90,040,339, G>A. VCF-style: chr16-90040339-G-A. GRCh37 (hg19) VCF-style: chr16-90106747-G-A.
Other names: c.802G>A, p.Ala268Thr (NM_001286205.2); c.475G>A, p.Ala159Thr (NM_001286208.2); c.976G>A, p.Ala326Thr (NM_001286209.2); short protein forms A268T, A326T, A159T, A351T.
Identifiers: ClinVar variation 1407593 (VCV001407593.8), dbSNP rs948581380, ClinGen allele CA286666210.
Genomic context (GRCh38, chr16:90,040,339, plus strand): 5'-CCCCCAGCGCTGTCCCTACAGGTGCAGCAGGAGCGGGACGAGCTCTATCGGAAGTTCACC[G>A]CAGCCATCCAGGAGGTGCAGCAGAAGACAGGGTTCAAGAACCTCGTGCTAGAACGCAAGC-3'
Protein context (NP_001472.1, residues 341-361): ERDELYRKFT[Ala351Thr]AIQEVQQKTG

ClinVar aggregate classification (germline): Uncertain significance (1 of 4 stars; one submission).

Conditions:
Primary ciliary dyskinesia 33. Also called: CILIARY DYSKINESIA, PRIMARY, 33, WITHOUT SITUS INVERSUS. Identifiers: Orphanet 244, MedGen C4225230, MONDO:0014750, OMIM 616726.

Allele frequency attached by ClinVar (database versions not stated): gnomAD exomes below 0.00001; TOPMed below 0.00001; gnomAD 0.00002 and 0.00003.
gnomAD v4.1: 10 of 1,602,346 alleles (0.00062%); highest among the groups gnomAD compares: African/African-American, 0.0067%; no homozygotes.

Submission:

Labcorp Genetics (formerly Invitae), Labcorp
Classification: Uncertain significance for Primary ciliary dyskinesia 33. Last evaluated: 2024-11-04. Review status: criteria provided, single submitter. Criteria: Invitae Variant Classification Sherloc (09022015). Collection method: clinical testing. Allele origin: germline.
Comment: This sequence change replaces alanine, which is neutral and non-polar, with threonine, which is neutral and polar, at codon 351 of the GAS8 protein (p.Ala351Thr). This variant is present in population databases (no rsID available, gnomAD 0.0009%). This variant has not been reported in the literature in individuals affected with GAS8-related conditions. ClinVar contains an entry for this variant (Variation ID: 1407593). Invitae Evidence Modeling of protein sequence and biophysical properties (such as structural, functional, and spatial information, amino acid conservation, physicochemical variation, residue mobility, and thermodynamic stability) indicates that this missense variant is not expected to disrupt GAS8 protein function with a negative predictive value of 80%. In summary, the available evidence is currently insufficient to determine the role of this variant in disease. Therefore, it has been classified as a Variant of Uncertain Significance.